The following is an entry in ClinVar:

ClinVar aggregate classification (germline): Uncertain significance (1 of 4 stars; one submission).

Conditions:
Catecholaminergic polymorphic ventricular tachycardia 1. Also called: RYR2-Related Catecholaminergic Polymorphic Ventricular Tachycardia; VENTRICULAR TACHYCARDIA, STRESS-INDUCED POLYMORPHIC 1; VENTRICULAR TACHYCARDIA, CATECHOLAMINERGIC POLYMORPHIC, 1, WITH OR WITHOUT ATRIAL DYSFUNCTION AND/OR DILATED CARDIOMYOPATHY. Identifiers: Orphanet 3286, MedGen C1631597, MONDO:0011484, OMIM 604772.

Submission:

Labcorp Genetics (formerly Invitae), Labcorp
Classification: Uncertain significance for Catecholaminergic polymorphic ventricular tachycardia 1. Last evaluated: 2025-11-28. Review status: criteria provided, single submitter. Criteria: Invitae Variant Classification Sherloc (09022015). Collection method: clinical testing. Allele origin: germline.
Comment: This sequence change replaces proline, which is neutral and non-polar, with alanine, which is neutral and non-polar, at codon 1368 of the RYR2 protein (p.Pro1368Ala). This variant is not present in population databases (gnomAD no frequency). This variant has not been reported in the literature in individuals affected with RYR2-related conditions. ClinVar contains an entry for this variant (Variation ID: 1900088). Invitae Evidence Modeling of protein sequence and biophysical properties (such as structural, functional, and spatial information, amino acid conservation, physicochemical variation, residue mobility, and thermodynamic stability) indicates that this missense variant is not expected to disrupt RYR2 protein function with a negative predictive value of 95%. In summary, the available evidence is currently insufficient to determine the role of this variant in disease. Therefore, it has been classified as a Variant of Uncertain Significance.

NM_001035.3(RYR2):c.4102C>G (p.Pro1368Ala)

Genes: RYR2 (ryanodine receptor 2; plus strand), LOC126806067 (BRD4-independent group 4 enhancer GRCh37_chr1:237753258-237754457; plus strand). Cytogenetic location: 1q43.
Variant type: single nucleotide variant.
Coding change: c.4102C>G on transcript NM_001035.3 (MANE Select); coding-DNA position 4102, C replaced by G.
Protein change: p.Pro1368Ala; replaces proline 1368 with alanine.
Molecular consequence: missense variant.
Genome position (GRCh38, 1-based): chr1:237,590,934, C>G. VCF-style: chr1-237590934-C-G. GRCh37 (hg19) VCF-style: chr1-237754234-C-G.
Other names: short protein forms P1368A.
Identifiers: ClinVar variation 1900088 (VCV001900088.5), dbSNP rs1675088114, ClinGen allele CA345397744.